The following is an entry in ClinVar:

ClinVar aggregate classification (germline): Uncertain significance (1 of 4 stars; one submission).

Conditions:
Charcot-Marie-Tooth disease axonal type 2O. Also called: CHARCOT-MARIE-TOOTH NEUROPATHY, AXONAL, TYPE 2O; CHARCOT-MARIE-TOOTH DISEASE, AXONAL, AUTOSOMAL DOMINANT, TYPE 2O; Charcot-Marie-Tooth Neuropathy Type 2O; Charcot-Marie-Tooth disease, axonal, type 20. Identifiers: Orphanet 284232, MedGen C3280220, MONDO:0013644, OMIM 614228.

Allele frequency attached by ClinVar (database versions not stated): gnomAD exomes below 0.00001.
gnomAD v4.1: 1 of 1,614,242 alleles (0.000062%); highest among the groups gnomAD compares: African/African-American, 0.0013%; no homozygotes.

Submission:

Labcorp Genetics (formerly Invitae), Labcorp
Classification: Uncertain significance for Charcot-Marie-Tooth disease axonal type 2O. Last evaluated: 2022-01-15. Review status: criteria provided, single submitter. Criteria: Invitae Variant Classification Sherloc (09022015). Collection method: clinical testing. Allele origin: germline.
Comment: Advanced modeling of protein sequence and biophysical properties (such as structural, functional, and spatial information, amino acid conservation, physicochemical variation, residue mobility, and thermodynamic stability) performed at Invitae indicates that this missense variant is not expected to disrupt DYNC1H1 protein function. In summary, the available evidence is currently insufficient to determine the role of this variant in disease. Therefore, it has been classified as a Variant of Uncertain Significance. This sequence change replaces glutamine, which is neutral and polar, with arginine, which is basic and polar, at codon 4425 of the DYNC1H1 protein (p.Gln4425Arg). This variant is not present in population databases (gnomAD no frequency). This variant has not been reported in the literature in individuals affected with DYNC1H1-related conditions.

NM_001376.5(DYNC1H1):c.13274A>G (p.Gln4425Arg)

Gene: DYNC1H1 (dynein cytoplasmic 1 heavy chain 1; plus strand). Cytogenetic location: 14q32.31.
Variant type: single nucleotide variant.
Coding change: c.13274A>G on transcript NM_001376.5 (MANE Select); coding-DNA position 13274, A replaced by G.
Protein change: p.Gln4425Arg; replaces glutamine 4425 with arginine.
Molecular consequence: missense variant.
Genome position (GRCh38, 1-based): chr14:102,048,571, A>G. VCF-style: chr14-102048571-A-G. GRCh37 (hg19) VCF-style: chr14-102514908-A-G.
Other names: short protein forms Q4425R.
Identifiers: ClinVar variation 1895887 (VCV001895887.5), dbSNP rs2503883907, ClinGen allele CA391048076.